The following is an entry in ClinVar:

NM_015047.3(EMC1):c.322C>T (p.Arg108Cys)

Gene: EMC1 (ER membrane protein complex subunit 1; minus strand). Cytogenetic location: 1p36.13.
Variant type: single nucleotide variant.
Coding change: c.322C>T on transcript NM_015047.3 (MANE Select); coding-DNA position 322, C replaced by T.
Protein change: p.Arg108Cys; replaces arginine 108 with cysteine.
Molecular consequence: missense variant.
Genome position (GRCh38, 1-based): chr1:19,243,672, G>A on the plus strand (C>T on the coding strand, the complement: EMC1 is on the minus strand). VCF-style: chr1-19243672-G-A. GRCh37 (hg19) VCF-style: chr1-19570166-G-A.
Other names: c.322C>T, p.Arg108Cys (NM_001271427.2, NM_001271428.2, NM_001375820.1 and 1 more transcripts); c.256C>T, p.Arg86Cys (NM_001271429.2); short protein forms R108C, R86C.
Identifiers: ClinVar variation 3616663 (VCV003616663.2).

ClinVar aggregate classification (germline): Uncertain significance (1 of 4 stars; one submission).

gnomAD v4.1: 4 of 1,614,150 alleles (0.00025%); highest among the groups gnomAD compares: East Asian, 0.0022%; no homozygotes.

Submission:

Labcorp Genetics (formerly Invitae), Labcorp
Classification: Uncertain significance. Last evaluated: 2024-08-07. Review status: criteria provided, single submitter. Criteria: Invitae Variant Classification Sherloc (09022015). Collection method: clinical testing. Allele origin: germline.
Comment: This sequence change replaces arginine, which is basic and polar, with cysteine, which is neutral and slightly polar, at codon 108 of the EMC1 protein (p.Arg108Cys). This variant is present in population databases (rs746537714, gnomAD 0.006%). This variant has not been reported in the literature in individuals affected with EMC1-related conditions. Advanced modeling of protein sequence and biophysical properties (such as structural, functional, and spatial information, amino acid conservation, physicochemical variation, residue mobility, and thermodynamic stability) performed at Invitae indicates that this missense variant is expected to disrupt EMC1 protein function with a positive predictive value of 80%. In summary, the available evidence is currently insufficient to determine the role of this variant in disease. Therefore, it has been classified as a Variant of Uncertain Significance.